The following is an entry in ClinVar:

ClinVar aggregate classification (germline): Uncertain significance (1 of 4 stars; one submission).

Submission:

GeneDx
Classification: Uncertain significance. Last evaluated: 2024-05-10. Review status: criteria provided, single submitter. Criteria: GeneDx Variant Classification Process June 2021. Collection method: clinical testing. Allele origin: germline. Affected: yes.
Comment: Not observed at significant frequency in large population cohorts (gnomAD); In silico analysis supports that this missense variant has a deleterious effect on protein structure/function; Has not been previously published as pathogenic or benign to our knowledge

NM_001037333.3(CYFIP2):c.1849C>T (p.Leu617Phe)

Gene: CYFIP2 (cytoplasmic FMR1 interacting protein 2; plus strand). Cytogenetic location: 5q33.3.
Variant type: single nucleotide variant.
Coding change: c.1849C>T on transcript NM_001037333.3 (MANE Select); coding-DNA position 1849, C replaced by T.
Protein change: p.Leu617Phe; replaces leucine 617 with phenylalanine.
Molecular consequence: missense variant.
Genome position (GRCh38, 1-based): chr5:157,325,505, C>T. VCF-style: chr5-157325505-C-T. GRCh37 (hg19) VCF-style: chr5-156752513-C-T.
Other names: c.1771C>T, p.Leu591Phe (NM_001291721.2); c.1924C>T, p.Leu642Phe (NM_001291722.2); c.1849C>T, p.Leu617Phe (NM_014376.4); short protein forms L591F, L617F, L642F.
Identifiers: ClinVar variation 3375641 (VCV003375641.1).